The following is an entry in ClinVar:

ClinVar aggregate classification (germline): Benign/Likely benign. Review status: criteria provided, multiple submitters, no conflicts (2 of 4 stars). 6 submissions from 6 submitters: Benign (2); Likely benign (4). Last evaluated 2026-02-01.

Conditions:
Nemaline myopathy 2 (NEM2). Also called: Nemaline myopathy 2, autosomal recessive. Identifiers: MedGen C1850569, MONDO:0009725, OMIM 256030.

Allele frequency attached by ClinVar (database versions not stated): gnomAD 0.00149 and 0.00164; TOPMed 0.00190; gnomAD exomes 0.00036; ExAC 0.00044; 1000 Genomes Project 30x 0.00094; 1000 Genomes Project 0.00100; ESP Exome Variant Server 0.00108.
gnomAD v4.1: 505 of 1,613,854 alleles (0.031%); highest among the groups gnomAD compares: African/African-American, 0.63%; 4 homozygotes.

Submissions (6):

CeGaT Center for Human Genetics Tuebingen
Classification: Likely benign. Last evaluated: 2026-02-01. Review status: criteria provided, single submitter. Criteria: CeGaT Center For Human Genetics Tuebingen Variant Classification Criteria Version 2. Collection method: clinical testing. Allele origin: germline. Affected: yes. Observed: 1 variant allele.
Comment: NEB: BP4, BP7

Labcorp Genetics (formerly Invitae), Labcorp
Classification: Benign for Nemaline myopathy 2. Last evaluated: 2026-01-26. Review status: criteria provided, single submitter. Criteria: Invitae Variant Classification Sherloc (09022015). Collection method: clinical testing. Allele origin: germline.

Blueprint Genetics
Classification: Likely benign. Last evaluated: 2024-06-26. Review status: criteria provided, single submitter. Criteria: ACMG Guidelines, 2015. Collection method: clinical testing. Allele origin: germline.

GeneDx
Classification: Likely benign. Last evaluated: 2019-01-15. Review status: criteria provided, single submitter. Criteria: GeneDx Variant Classification Process June 2021. Collection method: clinical testing. Allele origin: germline. Affected: yes.

Eurofins Ntd Llc (ga)
Classification: Benign. Last evaluated: 2015-12-28. Review status: criteria provided, single submitter. Criteria: EGL Classification Definitions 2015. Collection method: clinical testing. Allele origin: germline. Observed: 1 variant allele, 1 heterozygote.

PreventionGenetics, part of Exact Sciences
Classification: Likely benign. Review status: criteria provided, single submitter. Criteria: ACMG Guidelines, 2015. Collection method: clinical testing. Allele origin: germline.

NM_001164508.2(NEB):c.3639C>T (p.Val1213=)

Gene: NEB (nebulin; minus strand). Cytogenetic location: 2q23.3.
Variant type: single nucleotide variant.
Coding change: c.3639C>T on transcript NM_001164508.2 (MANE Select); coding-DNA position 3639, C replaced by T.
Protein change: p.Val1213=; no amino-acid change (valine 1213 retained).
Molecular consequence: synonymous variant.
Genome position (GRCh38, 1-based): chr2:151,677,700, G>A on the plus strand (C>T on the coding strand, the complement: NEB is on the minus strand). VCF-style: chr2-151677700-G-A. GRCh37 (hg19) VCF-style: chr2-152534214-G-A.
Other names: c.3639C>T, p.Val1213= (NM_001164507.2, NM_001271208.2, NM_004543.5).
Identifiers: ClinVar variation 257811 (VCV000257811.22), dbSNP rs74320183, ClinGen allele CA1910859.